The following is an entry in ClinVar:

ClinVar aggregate classification (germline): Uncertain significance. Review status: criteria provided, multiple submitters, no conflicts (2 of 4 stars). 2 submissions from 2 submitters: Uncertain significance (2). Last evaluated 2024-04-17.

Conditions:
Cornelia de Lange syndrome 3 (CDLS3). Also called: SMC3-Related Cornelia de Lange Syndrome; CORNELIA DE LANGE SYNDROME 3 WITH OR WITHOUT MIDLINE BRAIN DEFECTS. Identifiers: Orphanet 199, MedGen C1853099, MONDO:0012555, OMIM 610759.

Allele frequency attached by ClinVar (database versions not stated): gnomAD exomes below 0.00001; gnomAD 0.00001; TOPMed 0.00002.
gnomAD v4.1: 4 of 1,534,242 alleles (0.00026%); highest among the groups gnomAD compares: African/African-American, 0.0054%; no homozygotes.

Submissions (2):

Women's Health and Genetics/Laboratory Corporation of America, LabCorp
Classification: Uncertain significance. Last evaluated: 2024-04-17. Review status: criteria provided, single submitter. Criteria: LabCorp Variant Classification Summary - May 2015. Collection method: clinical testing. Allele origin: germline.
Comment: Variant summary: SMC3 c.430-3T>C alters a non-conserved nucleotide located close to a canonical splice site and therefore could affect mRNA splicing, leading to a significantly altered protein sequence. Consensus agreement among computation tools predict no significant impact on normal splicing. However, these predictions have yet to be confirmed by functional studies. The variant allele was found at a frequency of 4e-06 in 251244 control chromosomes (gnomAD). The available data on variant occurrences in the general population are insufficient to allow any conclusion about variant significance. To our knowledge, no occurrence of c.430-3T>C in individuals affected with Cornelia De Lange Syndrome 3 and no experimental evidence demonstrating its impact on protein function have been reported. ClinVar contains an entry for this variant (Variation ID: 2776414). Based on the evidence outlined above, the variant was classified as uncertain significance.

Labcorp Genetics (formerly Invitae), Labcorp
Classification: Uncertain significance for Cornelia de Lange syndrome 3. Last evaluated: 2023-10-29. Review status: criteria provided, single submitter. Criteria: Invitae Variant Classification Sherloc (09022015). Collection method: clinical testing. Allele origin: germline.
Comment: This sequence change falls in intron 7 of the SMC3 gene. It does not directly change the encoded amino acid sequence of the SMC3 protein. It affects a nucleotide within the consensus splice site. This variant is present in population databases (no rsID available, gnomAD 0.007%). This variant has not been reported in the literature in individuals affected with SMC3-related conditions. Variants that disrupt the consensus splice site are a relatively common cause of aberrant splicing (PMID: 17576681, 9536098). Algorithms developed to predict the effect of sequence changes on RNA splicing suggest that this variant is not likely to affect RNA splicing. In summary, the available evidence is currently insufficient to determine the role of this variant in disease. Therefore, it has been classified as a Variant of Uncertain Significance.

Literature cited by the submitters: PubMed 17576681 (cited by Labcorp Genetics (formerly Invitae), Labcorp); PubMed 9536098 (cited by Labcorp Genetics (formerly Invitae), Labcorp).

NM_005445.4(SMC3):c.430-3T>C

Gene: SMC3 (structural maintenance of chromosomes 3; plus strand). Cytogenetic location: 10q25.2.
Variant type: single nucleotide variant.
Coding change: c.430-3T>C on transcript NM_005445.4 (MANE Select); 3 bases into the intron before coding-DNA position 430, T replaced by C.
Molecular consequence: intron variant.
Genome position (GRCh38, 1-based): chr10:110,580,901, T>C. VCF-style: chr10-110580901-T-C. GRCh37 (hg19) VCF-style: chr10-112340659-T-C.
Identifiers: ClinVar variation 2776414 (VCV002776414.4), dbSNP rs908094253, ClinGen allele CA213230352.